The following is an entry in ClinVar:

ClinVar aggregate classification (germline): Uncertain significance (1 of 4 stars; one submission).

Submission:

Labcorp Genetics (formerly Invitae), Labcorp
Classification: Uncertain significance. Last evaluated: 2021-05-29. Review status: criteria provided, single submitter. Criteria: Invitae Variant Classification Sherloc (09022015). Collection method: clinical testing. Allele origin: germline.
Comment: This sequence change replaces proline with leucine at codon 723 of the COL4A5 protein (p.Pro723Leu). The proline residue is moderately conserved and there is a moderate physicochemical difference between proline and leucine. This variant is not present in population databases (ExAC no frequency). This variant has not been reported in the literature in individuals with COL4A5-related conditions. Advanced modeling of protein sequence and biophysical properties (such as structural, functional, and spatial information, amino acid conservation, physicochemical variation, residue mobility, and thermodynamic stability) performed at Invitae indicates that this missense variant is not expected to disrupt COL4A5 protein function. In summary, the available evidence is currently insufficient to determine the role of this variant in disease. Therefore, it has been classified as a Variant of Uncertain Significance.

NM_033380.3(COL4A5):c.2168C>T (p.Pro723Leu)

Gene: COL4A5 (collagen type IV alpha 5 chain; plus strand). Cytogenetic location: Xq22.3.
Variant type: single nucleotide variant.
Coding change: c.2168C>T on transcript NM_033380.3 (MANE Select); coding-DNA position 2168, C replaced by T.
Protein change: p.Pro723Leu; replaces proline 723 with leucine.
Molecular consequence: missense variant.
Genome position (GRCh38, 1-based): chrX:108,602,985, C>T. VCF-style: chrX-108602985-C-T. GRCh37 (hg19) VCF-style: chrX-107846215-C-T.
Other names: c.2168C>T, p.Pro723Leu (NM_000495.5); short protein forms P723L.
Identifiers: ClinVar variation 1952189 (VCV001952189.2), dbSNP rs1308277905, ClinGen allele CA413847248.